The following is an entry in ClinVar:

NM_032608.7(MYO18B):c.1677_1689del (p.Glu559fs)

Gene: MYO18B (myosin XVIIIB; plus strand). Cytogenetic location: 22q12.1.
Variant type: Deletion.
Coding change: c.1677_1689del on transcript NM_032608.7 (MANE Select); coding-DNA positions 1677 to 1689, 13 bases deleted (GGAGCATGTCCAT).
Protein change: p.Glu559fs; shifts the reading frame from glutamic acid 559.
Molecular consequence: frameshift variant.
Genome position (GRCh38, 1-based): chr22:25,770,969-25,770,981, GGAGCATGTCCAT deleted. VCF-style (leftmost placement, unchanged base first): chr22-25770968-AGGAGCATGTCCAT-A. GRCh37 (hg19) VCF-style: chr22-26166935-AGGAGCATGTCCAT-A.
Other names: c.1677_1689del, p.Glu559fs (NM_001318245.2); short protein forms E559fs.
Identifiers: ClinVar variation 3727024 (VCV003727024.2).

ClinVar aggregate classification (germline): Pathogenic (1 of 4 stars; one submission).

Submission:

Labcorp Genetics (formerly Invitae), Labcorp
Classification: Pathogenic. Last evaluated: 2024-12-10. Review status: criteria provided, single submitter. Criteria: Invitae Variant Classification Sherloc (09022015). Collection method: clinical testing. Allele origin: germline.
Comment: This sequence change creates a premature translational stop signal (p.Glu559Aspfs*26) in the MYO18B gene. It is expected to result in an absent or disrupted protein product. Loss-of-function variants in MYO18B are known to be pathogenic (PMID: 25748484, 32184166, 32637634). This variant is not present in population databases (gnomAD no frequency). This variant has not been reported in the literature in individuals affected with MYO18B-related conditions. For these reasons, this variant has been classified as Pathogenic.

Literature cited by the submitters: PubMed 25748484; PubMed 32184166; PubMed 32637634.